The following is an entry in ClinVar:

ClinVar aggregate classification (germline): Uncertain significance. Review status: criteria provided, multiple submitters, no conflicts (2 of 4 stars). 3 submissions from 3 submitters: Uncertain significance (3). Last evaluated 2025-12-16.

Conditions:
Cardiovascular phenotype. Identifiers: MedGen CN230736.
Hypertrophic cardiomyopathy. Also called: HYPERTROPHIC MYOCARDIOPATHY. Identifiers: Orphanet 217569, MedGen C0007194, MeSH D002312, MONDO:0005045, HP:0001639.

Submissions (3):

Ambry Genetics
Classification: Uncertain significance for Cardiovascular phenotype. Last evaluated: 2025-12-16. Review status: criteria provided, single submitter. Criteria: Ambry Variant Classification Scheme 2023. Collection method: clinical testing. Allele origin: germline.
Comment: The p.L49Q variant (also known as c.146T>A), located in coding exon 4 of the TNNI3 gene, results from a T to A substitution at nucleotide position 146. The leucine at codon 49 is replaced by glutamine, an amino acid with dissimilar properties. This alteration has been reported as homozygous in an individual with myocarditis with dilated cardiomyopathy phenotype (Seidel F et al. J Cardiovasc Dev Dis, 2022 Jul;9:[ePub ahead of print]). This amino acid position is highly conserved in available vertebrate species. In addition, this alteration is predicted to be deleterious by in silico analysis. Based on the available evidence, the clinical significance of this variant remains unclear.

Labcorp Genetics (formerly Invitae), Labcorp
Classification: Uncertain significance for Hypertrophic cardiomyopathy. Last evaluated: 2025-12-03. Review status: criteria provided, single submitter. Criteria: Invitae Variant Classification Sherloc (09022015). Collection method: clinical testing. Allele origin: germline.
Comment: This sequence change replaces leucine, which is neutral and non-polar, with glutamine, which is neutral and polar, at codon 49 of the TNNI3 protein (p.Leu49Gln). This variant is not present in population databases (gnomAD no frequency). This missense change has been observed in individual(s) with dilated cardiomyopathy (PMID: 35877578). ClinVar contains an entry for this variant (Variation ID: 2450196). An algorithm developed to predict the effect of missense changes on protein structure and function (PolyPhen-2) suggests that this variant is likely to be disruptive. In summary, the available evidence is currently insufficient to determine the role of this variant in disease. Therefore, it has been classified as a Variant of Uncertain Significance.

All of Us Research Program, National Institutes of Health
Classification: Uncertain significance for Hypertrophic cardiomyopathy. Last evaluated: 2023-08-15. Review status: criteria provided, single submitter. Criteria: ACMG Guidelines, 2015. Collection method: clinical testing. Allele origin: germline. Inheritance: Autosomal dominant inheritance. Observed: 1 variant allele, 1 heterozygote.
Comment: This study involves interpretation of variants in research participants for the purpose of population health screening. Participant phenotype was not available at the time of variant classification. Additional details can be found in publication PMID: 35346344, PMCID: PMC8962531

Literature cited by the submitters: PubMed 35877578 (cited by Ambry Genetics and Labcorp Genetics (formerly Invitae), Labcorp).

NM_000363.5(TNNI3):c.146T>A (p.Leu49Gln)

Gene: TNNI3 (troponin I3, cardiac type; minus strand). Cytogenetic location: 19q13.42.
Variant type: single nucleotide variant.
Coding change: c.146T>A on transcript NM_000363.5 (MANE Select); coding-DNA position 146, T replaced by A.
Protein change: p.Leu49Gln; replaces leucine 49 with glutamine.
Molecular consequence: missense variant.
Genome position (GRCh38, 1-based): chr19:55,156,607, A>T on the plus strand (T>A on the coding strand, the complement: TNNI3 is on the minus strand). VCF-style: chr19-55156607-A-T. GRCh37 (hg19) VCF-style: chr19-55667975-A-T.
Other names: short protein forms L49Q.
Identifiers: ClinVar variation 2450196 (VCV002450196.5), dbSNP rs1397663689, ClinGen allele CA407442355.
Genomic context (GRCh38, chr19:55,156,607, plus strand): 5'-TCAAGCTCCGCCCCCTGAGCACCTGCCTGCTCTTTCCCAGTCCCGCCCGTCCTCACCTTC[A>T]GCTGCAATTTTCTCGAGGCGGAGATCTTAGATTTTTTCTGCCAGGGTGAGATGGAGCAAG-3'
Protein context (NP_000354.4, residues 39-59): SKISASRKLQ[Leu49Gln]KTLLLQIAKQ